The following is an entry in ClinVar:

ClinVar aggregate classification (germline): Uncertain significance (1 of 4 stars; one submission).

Allele frequency attached by ClinVar (database versions not stated): gnomAD exomes below 0.00001.

Submission:

CeGaT Center for Human Genetics Tuebingen
Classification: Uncertain significance. Last evaluated: 2023-02-01. Review status: criteria provided, single submitter. Criteria: CeGaT Center For Human Genetics Tuebingen Variant Classification Criteria Version 2. Collection method: clinical testing. Allele origin: germline. Affected: yes. Observed: 1 variant allele.
Comment: KCNN3: PM2, PP2

NM_002249.6(KCNN3):c.1729C>T (p.Arg577Trp)

Gene: KCNN3 (potassium calcium-activated channel subfamily N member 3; minus strand). Cytogenetic location: 1q21.3.
Variant type: single nucleotide variant.
Coding change: c.1729C>T on transcript NM_002249.6 (MANE Select); coding-DNA position 1729, C replaced by T.
Protein change: p.Arg577Trp; replaces arginine 577 with tryptophan.
Molecular consequence: missense variant.
Genome position (GRCh38, 1-based): chr1:154,714,976, G>A on the plus strand (C>T on the coding strand, the complement: KCNN3 is on the minus strand). VCF-style: chr1-154714976-G-A. GRCh37 (hg19) VCF-style: chr1-154687452-G-A.
Other names: c.1774C>T, p.Arg592Trp (NM_001204087.2); c.835C>T, p.Arg279Trp (NM_001365837.1); c.790C>T, p.Arg264Trp (NM_001365838.1); c.814C>T, p.Arg272Trp (NM_170782.3); short protein forms R264W, R272W, R279W, R577W, R592W.
Identifiers: ClinVar variation 2639377 (VCV002639377.24), dbSNP rs2526997536, ClinGen allele CA343068992.